The following is an entry in ClinVar:

ClinVar aggregate classification (germline): Conflicting classifications of pathogenicity. Review status: criteria provided, conflicting classifications (1 of 4 stars). 6 submissions from 6 submitters: Uncertain significance (4); Likely benign (1). 1 of the submissions does not count toward it. Last evaluated 2025-06-05.

Conditions:
Hereditary cancer-predisposing syndrome. Also called: Tumor predisposition; Hereditary Cancer Syndrome; Neoplastic Syndromes, Hereditary; Hereditary neoplastic syndrome. Identifiers: Orphanet 140162, MedGen C0027672, MeSH D009386, MONDO:0015356.
Hereditary breast ovarian cancer syndrome. Also called: Hereditary breast and ovarian cancer; Breast and ovarian cancer; Hereditary breast and/or ovarian cancer syndrome; BRCA1- and BRCA2-Associated Hereditary Breast and Ovarian Cancer; Hereditary breast and ovarian cancer syndrome; Hereditary breast and ovarian cancer syndrome (HBOC). Identifiers: Orphanet 145, MedGen C0677776, MeSH D061325, MONDO:0003582. Disease mechanism: loss of function.
Breast-ovarian cancer, familial, susceptibility to, 2 (BROVCA2). Also called: BRCA2 Hereditary Breast and Ovarian Cancer. Identifiers: Orphanet 145, MedGen C2675520, MONDO:0012933, OMIM 612555. Disease mechanism: loss of function.

gnomAD v4.1: 7 of 1,613,890 alleles (0.00043%); highest among the groups gnomAD compares: South Asian, 0.0077%; no homozygotes.

Submissions (6):

GeneDx
Classification: Uncertain significance. Last evaluated: 2025-06-05. Review status: criteria provided, single submitter. Criteria: GeneDx Variant Classification Process June 2021. Collection method: clinical testing. Allele origin: germline. Affected: yes.
Comment: Not observed at significant frequency in large population cohorts (gnomAD); In silico analysis supports that this missense variant has a deleterious effect on protein structure/function; Has not been previously published as pathogenic or benign to our knowledge; Also known as 4796G>T; This variant is associated with the following publications: (PMID: 35325018, 22193408, 9002670)

Ambry Genetics
Classification: Uncertain significance for Hereditary cancer-predisposing syndrome. Last evaluated: 2025-03-30. Review status: criteria provided, single submitter. Criteria: Ambry Variant Classification Scheme 2023. Collection method: clinical testing. Allele origin: germline.
Comment: The p.G1523V variant (also known as c.4568G>T), located in coding exon 10 of the BRCA2 gene, results from a G to T substitution at nucleotide position 4568. The glycine at codon 1523 is replaced by valine, an amino acid with dissimilar properties. This amino acid position is not well conserved in available vertebrate species. In addition, the in silico prediction for this alteration is inconclusive. Since supporting evidence is limited at this time, the clinical significance of this alteration remains unclear.

Labcorp Genetics (formerly Invitae), Labcorp
Classification: Uncertain significance for Hereditary breast ovarian cancer syndrome. Last evaluated: 2025-02-24. Review status: criteria provided, single submitter. Criteria: Invitae Variant Classification Sherloc (09022015). Collection method: clinical testing. Allele origin: germline.
Comment: This sequence change replaces glycine, which is neutral and non-polar, with valine, which is neutral and non-polar, at codon 1523 of the BRCA2 protein (p.Gly1523Val). This variant is present in population databases (no rsID available, gnomAD 0.003%). This missense change has been observed in individual(s) with clinical features of BRCA2-related conditions (PMID: 21520333). ClinVar contains an entry for this variant (Variation ID: 252831). Invitae Evidence Modeling of protein sequence and biophysical properties (such as structural, functional, and spatial information, amino acid conservation, physicochemical variation, residue mobility, and thermodynamic stability) indicates that this missense variant is not expected to disrupt BRCA2 protein function with a negative predictive value of 95%. In summary, the available evidence is currently insufficient to determine the role of this variant in disease. Therefore, it has been classified as a Variant of Uncertain Significance.

University of Washington Department of Laboratory Medicine, University of Washington
Classification: Likely benign for Hereditary cancer-predisposing syndrome. Last evaluated: 2023-03-23. Review status: criteria provided, single submitter. Criteria: Dines et al. (Genet Med. 2020). Collection method: curation. Allele origin: germline.
Comment: Missense variant in a coldspot region where missense variants are very unlikely to be pathogenic (PMID:31911673).

BRCA2 exon 11 coldspot. Reclassification based on statistical prior probability.

Molecular Endocrinology Laboratory, Christian Medical College
Classification: Uncertain significance for Breast-ovarian cancer, familial, susceptibility to, 2. Review status: criteria provided, single submitter. Criteria: ACMG Guidelines, 2015. Collection method: clinical testing. Allele origin: germline. Affected: yes.

Sharing Clinical Reports Project (SCRP)
Classification: Uncertain significance for Breast-ovarian cancer, familial 2. Last evaluated: 2013-10-03. Review status: no assertion criteria provided. Collection method: clinical testing. Allele origin: germline. Not counted in ClinVar's aggregate classification.

Literature cited by the submitters: PubMed 21520333 (cited by Labcorp Genetics (formerly Invitae), Labcorp).

NM_000059.4(BRCA2):c.4568G>T (p.Gly1523Val)

Gene: BRCA2 (BRCA2 DNA repair associated; plus strand). Cytogenetic location: 13q13.1.
Variant type: single nucleotide variant.
Coding change: c.4568G>T on transcript NM_000059.4 (MANE Select); coding-DNA position 4568, G replaced by T.
Protein change: p.Gly1523Val; replaces glycine 1523 with valine.
Molecular consequence: missense variant.
Genome position (GRCh38, 1-based): chr13:32,338,923, G>T. VCF-style: chr13-32338923-G-T. GRCh37 (hg19) VCF-style: chr13-32913060-G-T.
Other names: 4796G>T; short protein forms G1523V.
Identifiers: ClinVar variation 252831 (VCV000252831.17), dbSNP rs879255451, ClinGen allele CA10586067.
Genomic context (GRCh38, chr13:32,338,923, plus strand): 5'-TAGTGACCTTCCAGGGACAACCCGAACGTGATGAAAAGATCAAAGAACCTACTCTATTGG[G>T]TTTTCATACAGCTAGCGGGAAAAAAGTTAAAATTGCAAAGGAATCTTTGGACAAAGTGAA-3'
Protein context (NP_000050.3, residues 1513-1533): DEKIKEPTLL[Gly1523Val]FHTASGKKVK